The following is an entry in ClinVar:

NM_004260.4(RECQL4):c.133T>A (p.Tyr45Asn)

Genes: RECQL4 (RecQ like helicase 4; minus strand), LOC130001411 (ATAC-STARR-seq lymphoblastoid silent region 19699; plus strand). Cytogenetic location: 8q24.3.
Variant type: single nucleotide variant.
Coding change: c.133T>A on transcript NM_004260.4 (MANE Select); coding-DNA position 133, T replaced by A.
Protein change: p.Tyr45Asn; replaces tyrosine 45 with asparagine.
Molecular consequence: missense variant. On other transcripts: 5 prime UTR variant (16), non-coding transcript variant (3), intron variant (2).
Genome position (GRCh38, 1-based): chr8:144,517,494, A>T on the plus strand (T>A on the coding strand, the complement: RECQL4 is on the minus strand). VCF-style: chr8-144517494-A-T. GRCh37 (hg19) VCF-style: chr8-145742878-A-T.
Other names: c.133T>A, p.Tyr45Asn (NM_001413017.1, NM_001413018.1, NM_001413019.1 and 5 more transcripts); c.-588T>A (NM_001413021.1); c.-939T>A (NM_001413022.1, NM_001413023.1, NM_001413037.1 and 2 more transcripts); c.-836T>A (NM_001413024.1, NM_001413035.1); c.-1001T>A (NM_001413027.1, NM_001413030.1, NM_001413031.1 and 1 more transcripts); c.-664T>A (NM_001413028.1); c.-898T>A (NM_001413032.1); c.-843T>A (NM_001413034.1); and 3 more; short protein forms Y45N.
Identifiers: ClinVar variation 4863189 (VCV004863189.1).
Genomic context (GRCh38, chr8:144,517,494, plus strand): 5'-GCGACTCGGAGCTGCGGAGCCCGCCGCCGGCCTGGCCCGTGGTACGCTTCAGAGTGCGGT[A>T]TTCCCGGTAGAGCGCTGCGTGGGCGAGCGGGAGGCGGGGTCAGGGTGGGGCCTGGGCCCC-3'
Protein context (NP_004251.4, residues 35-55): PEETRALYRE[Tyr45Asn]RTLKRTTGQA

ClinVar aggregate classification (germline): Uncertain significance (1 of 4 stars; one submission).

Conditions:
Inborn genetic diseases. Identifiers: MedGen C0950123, MeSH D030342.

Submission:

Ambry Genetics
Classification: Uncertain significance for Inborn genetic diseases. Last evaluated: 2026-05-14. Review status: criteria provided, single submitter. Criteria: Ambry Variant Classification Scheme 2023. Collection method: clinical testing. Allele origin: germline.
Comment: The p.Y45N variant (also known as c.133T>A), located in coding exon 3 of the RECQL4 gene, results from a T to A substitution at nucleotide position 133. The tyrosine at codon 45 is replaced by asparagine, an amino acid with dissimilar properties. This amino acid position is conserved. In addition, the in silico prediction for this alteration is inconclusive. Based on the available evidence, the clinical significance of this variant remains unclear.